The following is an entry in ClinVar:

NM_001048174.2(MUTYH):c.457T>G (p.Ser153Ala)

Gene: MUTYH (mutY DNA glycosylase; minus strand). Cytogenetic location: 1p34.1.
Variant type: single nucleotide variant.
Coding change: c.457T>G on transcript NM_001048174.2 (MANE Select); coding-DNA position 457, T replaced by G.
Protein change: p.Ser153Ala; replaces serine 153 with alanine.
Molecular consequence: missense variant. On other transcripts: non-coding transcript variant (2).
Genome position (GRCh38, 1-based): chr1:45,332,798, A>C on the plus strand (T>G on the coding strand, the complement: MUTYH is on the minus strand). VCF-style: chr1-45332798-A-C. GRCh37 (hg19) VCF-style: chr1-45798470-A-C.
Other names: c.457T>G, p.Ser153Ala (NM_001048171.2, NM_001048173.2, NM_001293195.2); c.460T>G, p.Ser154Ala (NM_001048172.2); c.541T>G, p.Ser181Ala (NM_001128425.2); c.502T>G, p.Ser168Ala (NM_001293190.2); c.490T>G, p.Ser164Ala (NM_001293191.2); c.181T>G, p.Ser61Ala (NM_001293192.2, NM_001293196.2); c.112T>G, p.Ser38Ala (NM_001350650.2, NM_001350651.2); c.532T>G, p.Ser178Ala (NM_012222.3); short protein forms S181A, S38A, S153A, S178A, S154A, S164A, S168A, S61A.
Identifiers: ClinVar variation 238348 (VCV000238348.15), dbSNP rs769684812, ClinGen allele CA058159.

ClinVar aggregate classification (germline): Uncertain significance. Review status: criteria provided, multiple submitters, no conflicts (2 of 4 stars). 4 submissions from 4 submitters: Uncertain significance (4). Last evaluated 2025-03-04.

Conditions:
Hereditary cancer-predisposing syndrome. Also called: Tumor predisposition; Hereditary neoplastic syndrome; Neoplastic Syndromes, Hereditary; Hereditary Cancer Syndrome. Identifiers: Orphanet 140162, MedGen C0027672, MeSH D009386, MONDO:0015356.
Familial adenomatous polyposis 2. Also called: FAP type 2; MUTYH Polyposis; MUTYH-related attenuated familial adenomatous polyposis; COLORECTAL ADENOMATOUS POLYPOSIS, AUTOSOMAL RECESSIVE; ADENOMAS, MULTIPLE COLORECTAL, AUTOSOMAL RECESSIVE; Adenomas, multiple colorectal. Identifiers: Orphanet 220460, Orphanet 247798, MedGen C3272841, MONDO:0012041, OMIM 608456.

Allele frequency attached by ClinVar (database versions not stated): ExAC 0.00001.

Submissions (4):

Ambry Genetics
Classification: Uncertain significance for Hereditary cancer-predisposing syndrome. Last evaluated: 2025-03-04. Review status: criteria provided, single submitter. Criteria: Ambry Variant Classification Scheme 2023. Collection method: clinical testing. Allele origin: germline.
Comment: The p.S181A variant (also known as c.541T>G), located in coding exon 7 of the MUTYH gene, results from a T to G substitution at nucleotide position 541. The serine at codon 181 is replaced by alanine, an amino acid with similar properties. This amino acid position is highly conserved in available vertebrate species. In addition, this alteration is predicted to be tolerated by in silico analysis. Based on the available evidence, the clinical significance of this variant remains unclear.

Color Diagnostics, LLC DBA Color Health
Classification: Uncertain significance for Hereditary cancer-predisposing syndrome. Last evaluated: 2024-06-25. Review status: criteria provided, single submitter. Criteria: ACMG Guidelines, 2015. Collection method: clinical testing. Allele origin: germline.
Comment: This missense variant replaces serine with alanine at codon 181 of the MUTYH protein. Computational prediction is inconclusive regarding the impact of this variant on protein structure and function. To our knowledge, functional studies have not been reported for this variant. In an international breast cancer case-control meta-analysis, this variant was detected in 1/60466 cases and absent in 53461 unaffected controls (PMID: 33471991). This variant has been identified in 1/251466 chromosomes in the general population by the Genome Aggregation Database (gnomAD). The available evidence is insufficient to determine the role of this variant in disease conclusively. Therefore, this variant is classified as a Variant of Uncertain Significance.

Labcorp Genetics (formerly Invitae), Labcorp
Classification: Uncertain significance for Familial adenomatous polyposis 2. Last evaluated: 2023-06-07. Review status: criteria provided, single submitter. Criteria: Invitae Variant Classification Sherloc (09022015). Collection method: clinical testing. Allele origin: germline.
Comment: This variant has not been reported in the literature in individuals affected with MUTYH-related conditions. This variant is present in population databases (rs769684812, gnomAD 0.0009%). This sequence change replaces serine, which is neutral and polar, with alanine, which is neutral and non-polar, at codon 181 of the MUTYH protein (p.Ser181Ala). ClinVar contains an entry for this variant (Variation ID: 238348). In summary, the available evidence is currently insufficient to determine the role of this variant in disease. Therefore, it has been classified as a Variant of Uncertain Significance. An algorithm developed to predict the effect of missense changes on protein structure and function (PolyPhen-2) suggests that this variant is likely to be disruptive.

Quest Diagnostics Nichols Institute San Juan Capistrano
Classification: Uncertain significance. Last evaluated: 2023-05-31. Review status: criteria provided, single submitter. Criteria: Quest Diagnostics criteria. Collection method: clinical testing. Allele origin: unknown.
Comment: In the published literature, this variant has been reported in an individual with breast cancer in a large breast cancer association study (PMID: 33471991 (2021), see also LOVD). The frequency of this variant in the general population, 0.000004 (1/251466 chromosomes (Genome Aggregation Database)), is uninformative in the assessment of its pathogenicity. Analysis of this variant using bioinformatics tools for the prediction of the effect of amino acid changes on protein structure and function yielded conflicting predictions that this variant is deleterious or benign. Based on the available information, we are unable to determine the clinical significance of this variant.

Literature cited by the submitters: PubMed 33471991 (cited by Color Diagnostics, LLC DBA Color Health and Quest Diagnostics Nichols Institute San Juan Capistrano).